The following is an entry in ClinVar:

ClinVar aggregate classification (germline): Benign/Likely benign. Review status: criteria provided, multiple submitters, no conflicts (2 of 4 stars). 5 submissions from 5 submitters: Benign (2); Likely benign (2). 1 of the submissions does not count toward it. Last evaluated 2026-01-13.

Conditions:
TRPV3-related disorder. Also called: TRPV3-related condition.
Isolated focal non-epidermolytic palmoplantar keratoderma. Also called: Palmoplantar keratoderma, nonepidermolytic, focal 2. Identifiers: Orphanet 448264, MedGen C4225339, MONDO:0014622, OMIM 616400.

Allele frequency attached by ClinVar (database versions not stated): TOPMed 0.00050; gnomAD 0.00058 and 0.00059; ExAC 0.00061; gnomAD exomes 0.00061; ESP Exome Variant Server 0.00092.
gnomAD v4.1: 948 of 1,614,206 alleles (0.059%); highest among the groups gnomAD compares: Non-Finnish European, 0.067%; 2 homozygotes.

Submissions (5):

Labcorp Genetics (formerly Invitae), Labcorp
Classification: Benign. Last evaluated: 2026-01-13. Review status: criteria provided, single submitter. Criteria: Invitae Variant Classification Sherloc (09022015). Collection method: clinical testing. Allele origin: germline.

Blueprint Genetics
Classification: Likely benign. Last evaluated: 2024-11-15. Review status: criteria provided, single submitter. Criteria: ACMG Guidelines, 2015. Collection method: clinical testing. Allele origin: germline.

CeGaT Center for Human Genetics Tuebingen
Classification: Likely benign. Last evaluated: 2022-05-01. Review status: criteria provided, single submitter. Criteria: CeGaT Center For Human Genetics Tuebingen Variant Classification Criteria Version 2. Collection method: clinical testing. Allele origin: germline. Affected: yes. Observed: 1 variant allele.
Comment: TRPV3: BP4, BP7

Illumina Laboratory Services, Illumina
Classification: Benign for Isolated focal non-epidermolytic palmoplantar keratoderma. Last evaluated: 2018-01-13. Review status: criteria provided, single submitter. Criteria: ICSL Variant Classification Criteria 13 December 2019. Collection method: clinical testing. Allele origin: germline.
Comment: This variant was observed in the ICSL laboratory as part of a predisposition screen in an ostensibly healthy population. It had not been previously curated by ICSL or reported in the Human Gene Mutation Database (HGMD: prior to June 1st, 2018), and was therefore a candidate for classification through an automated scoring system. Utilizing variant allele frequency, disease prevalence and penetrance estimates, and inheritance mode, an automated score was calculated to assess if this variant is too frequent to cause the disease. Based on the score and internal cut-off values, a variant classified as benign is not then subjected to further curation. The score for this variant resulted in a classification of benign for this disease.

PreventionGenetics, part of Exact Sciences
Classification: Likely benign for TRPV3-related condition. Last evaluated: 2019-10-28. Review status: no assertion criteria provided. Collection method: clinical testing. Allele origin: germline. Not counted in ClinVar's aggregate classification.
Comment: This variant is classified as likely benign based on ACMG/AMP sequence variant interpretation guidelines (Richards et al. 2015 PMID: 25741868, with internal and published modifications).

NM_145068.4(TRPV3):c.1050G>A (p.Lys350=)

Gene: TRPV3 (transient receptor potential cation channel subfamily V member 3; minus strand). Cytogenetic location: 17p13.2.
Variant type: single nucleotide variant.
Coding change: c.1050G>A on transcript NM_145068.4 (MANE Select); coding-DNA position 1050, G replaced by A.
Protein change: p.Lys350=; no amino-acid change (lysine 350 retained).
Molecular consequence: synonymous variant.
Genome position (GRCh38, 1-based): chr17:3,532,672, C>T on the plus strand (G>A on the coding strand, the complement: TRPV3 is on the minus strand). VCF-style: chr17-3532672-C-T. GRCh37 (hg19) VCF-style: chr17-3435966-C-T.
Other names: c.1050G>A, p.Lys350= (NM_001258205.2).
Identifiers: ClinVar variation 322780 (VCV000322780.40), dbSNP rs141575082, ClinGen allele CA8289630.
Genomic context (GRCh38, chr17:3,532,672, plus strand): 5'-TCCTGACCTCCCGACCTCCTGCCTCCCCACGCCCCATGGCCCCACCTCCGCCTTGCCCAT[C>T]TTGGCGGCCAGCTGCAGCGGCGTGAGGCCATCGTTGTTGCGAGTGGTCTCCAGCTCCCAG-3'
Protein context (NP_659505.1, residues 340-360): DGLTPLQLAA[Lys350=]MGKAEILKYI